The following is an entry in ClinVar:

NC_000012.12:g.45690000_45750000del

Genes: ARID2 (AT-rich interaction domain 2; plus strand), LINC00938 (long intergenic non-protein coding RNA 938; minus strand), LOC130007727 (ATAC-STARR-seq lymphoblastoid silent region 4375; plus strand), LOC130007728 (ATAC-STARR-seq lymphoblastoid silent region 4376; plus strand). Cytogenetic location: 12q12.
Variant type: Deletion.
Identifiers: ClinVar variation 1526286 (VCV001526286.4).

ClinVar aggregate classification (germline): Pathogenic (0 of 4 stars; one submission).

Conditions:
Coffin-Siris syndrome 6. Identifiers: MedGen C4540499, MONDO:0033492, OMIM 617808.

Submission:

Centre de Génétique Humaine, Institut de Pathologie Et de Génétique
Classification: Pathogenic for Coffin-Siris syndrome 6. Last evaluated: 2022-01-18. Review status: no assertion criteria provided. Collection method: clinical testing. Allele origin: de novo. Inheritance: Autosomal dominant inheritance. Affected: yes. Observed: 1 heterozygote.
Comment: This deletion is thought to arise de novo and it has never been reported before.

Literature cited by the submitters: PubMed 28884947.